The following is an entry in ClinVar:

ClinVar aggregate classification (germline): Uncertain significance (1 of 4 stars; one submission).

Conditions:
VPS13B-related disorder. Also called: VPS13B-related condition.

Submission:

PreventionGenetics, part of Exact Sciences
Classification: Uncertain significance for VPS13B-related condition. Last evaluated: 2025-12-18. Review status: criteria provided, single submitter. Criteria: ACMG Guidelines, 2015. Collection method: clinical testing. Allele origin: germline.
Comment: The VPS13B c.2233A>T variant is predicted to result in the amino acid substitution p.Thr745Ser. To our knowledge, this variant has not been reported in the literature or in a large population database (gnomAD), indicating this variant is rare. At this time, the clinical significance of this variant is uncertain due to the absence of conclusive functional and genetic evidence.

NM_152564.5(VPS13B):c.2233A>T (p.Thr745Ser)

Gene: VPS13B (vacuolar protein sorting 13 homolog B; plus strand). Cytogenetic location: 8q22.2.
Variant type: single nucleotide variant.
Coding change: c.2233A>T on transcript NM_152564.5 (MANE Select); coding-DNA position 2233, A replaced by T.
Protein change: p.Thr745Ser; replaces threonine 745 with serine.
Molecular consequence: missense variant.
Genome position (GRCh38, 1-based): chr8:99,170,063, A>T. VCF-style: chr8-99170063-A-T. GRCh37 (hg19) VCF-style: chr8-100182291-A-T.
Other names: c.2233A>T, p.Thr745Ser (NM_015243.3, NM_017890.5); short protein forms T745S.
Identifiers: ClinVar variation 4999869 (VCV004999869.1).